The following is an entry in ClinVar:

NM_152564.5(VPS13B):c.10076T>C (p.Ile3359Thr)

Gene: VPS13B (vacuolar protein sorting 13 homolog B; plus strand). Cytogenetic location: 8q22.2.
Variant type: single nucleotide variant.
Coding change: c.10076T>C on transcript NM_152564.5 (MANE Select); coding-DNA position 10076, T replaced by C.
Protein change: p.Ile3359Thr; replaces isoleucine 3359 with threonine.
Molecular consequence: missense variant.
Genome position (GRCh38, 1-based): chr8:99,853,465, T>C. VCF-style: chr8-99853465-T-C. GRCh37 (hg19) VCF-style: chr8-100865693-T-C.
Other names: c.10151T>C, p.Ile3384Thr (NM_017890.5); c.10076T>C (NM_152564.4); short protein forms I3359T, I3384T.
Identifiers: ClinVar variation 1429342 (VCV001429342.4), dbSNP rs1036301212, ClinGen allele CA182313924.

ClinVar aggregate classification (germline): Uncertain significance. Review status: criteria provided, multiple submitters, no conflicts (2 of 4 stars). 2 submissions from 2 submitters: Uncertain significance (2). Last evaluated 2026-03-20.

Conditions:
Cohen syndrome (COH1). Also called: PEPPER SYNDROME; Cutis verticis gyrata, retinitis pigmentosa, and sensorineural deafness. Identifiers: Orphanet 193, MedGen C0265223, MONDO:0008999, OMIM 216550.
VPS13B-related disorder. Also called: VPS13B-related condition.

Allele frequency attached by ClinVar (database versions not stated): gnomAD exomes below 0.00001 and 0.00001; gnomAD 0.00001; TOPMed 0.00001.
gnomAD v4.1: 6 of 1,614,020 alleles (0.00037%); highest among the groups gnomAD compares: Non-Finnish European, 0.00051%; no homozygotes.

Submissions (2):

PreventionGenetics, part of Exact Sciences
Classification: Uncertain significance for VPS13B-related condition. Last evaluated: 2026-03-20. Review status: criteria provided, single submitter. Criteria: ACMG Guidelines, 2015. Collection method: clinical testing. Allele origin: germline.
Comment: The VPS13B c.10076T>C variant is predicted to result in the amino acid substitution p.Ile3359Thr. To our knowledge, this variant has not been reported in the literature. This variant is reported in 0.0018% of alleles in individuals of European (Non-Finnish) descent in gnomAD. At this time, the clinical significance of this variant is uncertain due to the absence of conclusive functional and genetic evidence.

Labcorp Genetics (formerly Invitae), Labcorp
Classification: Uncertain significance for Cohen syndrome. Last evaluated: 2021-11-04. Review status: criteria provided, single submitter. Criteria: Invitae Variant Classification Sherloc (09022015). Collection method: clinical testing. Allele origin: germline.
Comment: This sequence change replaces isoleucine, which is neutral and non-polar, with threonine, which is neutral and polar, at codon 3384 of the VPS13B protein (p.Ile3384Thr). This variant is present in population databases (no rsID available, gnomAD 0.002%). This variant has not been reported in the literature in individuals affected with VPS13B-related conditions. Algorithms developed to predict the effect of missense changes on protein structure and function output the following: SIFT: "Not Available"; PolyPhen-2: "Benign"; Align-GVGD: "Not Available". The threonine amino acid residue is found in multiple mammalian species, which suggests that this missense change does not adversely affect protein function. In summary, the available evidence is currently insufficient to determine the role of this variant in disease. Therefore, it has been classified as a Variant of Uncertain Significance.